The following is an entry in ClinVar:

ClinVar aggregate classification (germline): Pathogenic/Likely pathogenic. Review status: criteria provided, multiple submitters, no conflicts (2 of 4 stars). 2 submissions from 2 submitters: Pathogenic (1); Likely pathogenic (1). Last evaluated 2023-01-04.

Conditions:
Glycogen storage disease, type VII (GSD7). Also called: MUSCLE PHOSPHOFRUCTOKINASE DEFICIENCY; PFKM DEFICIENCY; GSD VII; TARUI DISEASE. Identifiers: Orphanet 371, MedGen C0017926, MONDO:0009295, OMIM 232800.

Submissions (2):

Baylor Genetics
Classification: Likely pathogenic for Glycogen storage disease, type VII. Last evaluated: 2023-01-04. Review status: criteria provided, single submitter. Criteria: ACMG Guidelines, 2015. Collection method: clinical testing. Allele origin: unknown.

Labcorp Genetics (formerly Invitae), Labcorp
Classification: Pathogenic for Glycogen storage disease, type VII. Last evaluated: 2021-06-13. Review status: criteria provided, single submitter. Criteria: Invitae Variant Classification Sherloc (09022015). Collection method: clinical testing. Allele origin: germline.
Comment: This sequence change creates a premature translational stop signal (p.Ser694Leufs*3) in the PFKM gene. It is expected to result in an absent or disrupted protein product. Loss-of-function variants in PFKM are known to be pathogenic (PMID: 7825568, 8037209). For these reasons, this variant has been classified as Pathogenic. This variant has not been reported in the literature in individuals with PFKM-related conditions. This variant is not present in population databases (ExAC no frequency).

Literature cited by the submitters: PubMed 7825568 (cited by Labcorp Genetics (formerly Invitae), Labcorp); PubMed 8037209 (cited by Labcorp Genetics (formerly Invitae), Labcorp).

NM_000289.6(PFKM):c.2080_2081del (p.Ser694fs)

Gene: PFKM (phosphofructokinase, muscle; plus strand). Cytogenetic location: 12q13.11.
Variant type: Microsatellite.
Coding change: c.2080_2081del on transcript NM_000289.6 (MANE Select); coding-DNA positions 2080 to 2081, 2 bases deleted (AG; older notation c.2080_2081delAG).
Protein change: p.Ser694fs; shifts the reading frame from serine 694.
Molecular consequence: frameshift variant. On other transcripts: non-coding transcript variant (6).
Genome position (GRCh38, 1-based): chr12:48,145,118-48,145,119, AG deleted; deleting any 2 consecutive bases within chr12:48,145,114-48,145,119 gives the same sequence; the c. name uses the placement nearest the transcript's 3' end. VCF-style (leftmost placement, unchanged base first): chr12-48145113-AAG-A. GRCh37 (hg19) VCF-style: chr12-48538896-AAG-A.
Other names: c.2293_2294del, p.Ser765fs (NM_001166686.2, NM_001354737.1, NM_001354738.1 and 1 more transcripts); c.2080_2081del, p.Ser694fs (NM_001166687.2, NM_001166688.2, NM_001354742.2 and 2 more transcripts); c.2389_2390del, p.Ser797fs (NM_001354735.1, NM_001354736.1); c.2224_2225del, p.Ser742fs (NM_001354740.1); c.2104_2105del, p.Ser702fs (NM_001354741.2); c.1993_1994del, p.Ser665fs (NM_001354745.2); c.1954_1955del, p.Ser652fs (NM_001354746.2); c.1930_1931del, p.Ser644fs (NM_001354747.2, NM_001354748.2); and 1 more; short protein forms S694fs, S702fs, S742fs, S765fs, S797fs, S663fs, S665fs, S652fs.
Identifiers: ClinVar variation 1456055 (VCV001456055.7), dbSNP rs1233958453, ClinGen allele CA604849298.